The following is an entry in ClinVar:

ClinVar aggregate classification (germline): Uncertain significance (1 of 4 stars; one submission).

Allele frequency attached by ClinVar (database versions not stated): ExAC 0.00003; TOPMed 0.00005; gnomAD 0.00009; 1000 Genomes Project 30x 0.00016; 1000 Genomes Project 0.00020.

Submission:

Labcorp Genetics (formerly Invitae), Labcorp
Classification: Uncertain significance. Last evaluated: 2022-05-21. Review status: criteria provided, single submitter. Criteria: Invitae Variant Classification Sherloc (09022015). Collection method: clinical testing. Allele origin: germline.
Comment: This sequence change replaces leucine, which is neutral and non-polar, with proline, which is neutral and non-polar, at codon 602 of the HPS6 protein (p.Leu602Pro). This variant is present in population databases (rs556817764, gnomAD 0.03%). This variant has not been reported in the literature in individuals affected with HPS6-related conditions. Algorithms developed to predict the effect of missense changes on protein structure and function output the following: SIFT: "Deleterious"; PolyPhen-2: "Benign"; Align-GVGD: "Class C25". The proline amino acid residue is found in multiple mammalian species, which suggests that this missense change does not adversely affect protein function. In summary, the available evidence is currently insufficient to determine the role of this variant in disease. Therefore, it has been classified as a Variant of Uncertain Significance.

NM_024747.6(HPS6):c.1805T>C (p.Leu602Pro)

Gene: HPS6 (HPS6 biogenesis of lysosomal organelles complex 2 subunit 3; plus strand). Cytogenetic location: 10q24.32.
Variant type: single nucleotide variant.
Coding change: c.1805T>C on transcript NM_024747.6 (MANE Select); coding-DNA position 1805, T replaced by C.
Protein change: p.Leu602Pro; replaces leucine 602 with proline.
Molecular consequence: missense variant.
Genome position (GRCh38, 1-based): chr10:102,067,279, T>C. VCF-style: chr10-102067279-T-C. GRCh37 (hg19) VCF-style: chr10-103827036-T-C.
Other names: short protein forms L602P.
Identifiers: ClinVar variation 2085173 (VCV002085173.1), dbSNP rs556817764, ClinGen allele CA5660043.